The following is an entry in ClinVar:

NM_004100.5(EYA4):c.441del (p.Tyr148fs)

Gene: EYA4 (EYA transcriptional coactivator and phosphatase 4; plus strand). Cytogenetic location: 6q23.2.
Variant type: Deletion.
Coding change: c.441del on transcript NM_004100.5 (MANE Select); coding-DNA position 441, one base deleted (C; older notation c.441delC).
Protein change: p.Tyr148fs; shifts the reading frame from tyrosine 148.
Molecular consequence: frameshift variant.
Genome position (GRCh38, 1-based): chr6:133,462,338, C deleted; the last of 3 consecutive C bases (chr6:133,462,336-133,462,338); deleting any one gives the same sequence. VCF-style (leftmost placement, unchanged base first): chr6-133462335-GC-G. GRCh37 (hg19) VCF-style: chr6-133783473-GC-G.
Other names: c.441delC (NM_172105.3); c.279del, p.Tyr94fs (NM_001301012.2, NM_001370459.1); c.441del, p.Tyr148fs (NM_001301013.2, NM_172105.4); c.372del, p.Tyr125fs (NM_001370458.1, NM_172103.4); short protein forms Y94fs, Y125fs, Y148fs.
Identifiers: ClinVar variation 236032 (VCV000236032.1), dbSNP rs878853223, ClinGen allele CA10581503.

ClinVar aggregate classification (germline): Pathogenic (0 of 4 stars; one submission).

Conditions:
Autosomal dominant nonsyndromic hearing loss 10. Identifiers: Orphanet 90635, MedGen C1832476, MONDO:0011031, OMIM 601316.

Submission:

Laboratory of Prof. Karen Avraham, Tel Aviv University
Classification: Pathogenic for Autosomal dominant nonsyndromic hearing loss 10. Last evaluated: 2016-02-16. Review status: no assertion criteria provided. Collection method: research. Allele origin: germline. Affected: yes.
Comment: postlingual, severe-profound HL

NSHL; dominant, DFNA10